The following is an entry in ClinVar:

NM_006031.6(PCNT):c.7131G>A (p.Pro2377=)

Gene: PCNT (pericentrin; plus strand). Cytogenetic location: 21q22.3.
Variant type: single nucleotide variant.
Coding change: c.7131G>A on transcript NM_006031.6 (MANE Select); coding-DNA position 7131, G replaced by A.
Protein change: p.Pro2377=; no amino-acid change (proline 2377 retained).
Molecular consequence: synonymous variant.
Genome position (GRCh38, 1-based): chr21:46,422,076, G>A. VCF-style: chr21-46422076-G-A. GRCh37 (hg19) VCF-style: chr21-47841990-G-A.
Other names: c.6777G>A, p.Pro2259= (NM_001315529.2); c.7131G>A (NM_006031.5).
Identifiers: ClinVar variation 1914345 (VCV001914345.6), dbSNP rs142266651, ClinGen allele CA10080527.

ClinVar aggregate classification (germline): Likely benign. Review status: criteria provided, single submitter (1 of 4 stars). 2 submissions from 2 submitters: Likely benign (1). 1 of the submissions does not count toward it. Last evaluated 2025-11-25.

Conditions:
PCNT-related disorder. Also called: PCNT-related condition.

Allele frequency attached by ClinVar (database versions not stated): ExAC 0.00002; gnomAD exomes 0.00003; gnomAD 0.00004; TOPMed 0.00007; ESP Exome Variant Server 0.00008.
gnomAD v4.1: 46 of 1,613,746 alleles (0.0029%); highest among the groups gnomAD compares: African/African-American, 0.011%; no homozygotes.

Submissions (2):

Labcorp Genetics (formerly Invitae), Labcorp
Classification: Likely benign. Last evaluated: 2025-11-25. Review status: criteria provided, single submitter. Criteria: Invitae Variant Classification Sherloc (09022015). Collection method: clinical testing. Allele origin: germline.

PreventionGenetics, part of Exact Sciences
Classification: Likely benign for PCNT-related condition. Last evaluated: 2021-12-16. Review status: no assertion criteria provided. Collection method: clinical testing. Allele origin: germline. Not counted in ClinVar's aggregate classification.
Comment: This variant is classified as likely benign based on ACMG/AMP sequence variant interpretation guidelines (Richards et al. 2015 PMID: 25741868, with internal and published modifications).